The following is an entry in ClinVar:

NM_005560.6(LAMA5):c.6490T>C (p.Cys2164Arg)

Gene: LAMA5 (laminin subunit alpha 5; minus strand). Cytogenetic location: 20q13.33.
Variant type: single nucleotide variant.
Coding change: c.6490T>C on transcript NM_005560.6 (MANE Select); coding-DNA position 6490, T replaced by C.
Protein change: p.Cys2164Arg; replaces cysteine 2164 with arginine.
Molecular consequence: missense variant.
Genome position (GRCh38, 1-based): chr20:62,322,025, A>G on the plus strand (T>C on the coding strand, the complement: LAMA5 is on the minus strand). VCF-style: chr20-62322025-A-G. GRCh37 (hg19) VCF-style: chr20-60897081-A-G.
Other names: short protein forms C2164R.
Identifiers: ClinVar variation 1352290 (VCV001352290.6), dbSNP rs756565702, ClinGen allele CA9941726.

ClinVar aggregate classification (germline): Uncertain significance (1 of 4 stars; one submission).

Allele frequency attached by ClinVar (database versions not stated): ExAC 0.00001.

Submission:

Labcorp Genetics (formerly Invitae), Labcorp
Classification: Uncertain significance. Last evaluated: 2022-03-02. Review status: criteria provided, single submitter. Criteria: Invitae Variant Classification Sherloc (09022015). Collection method: clinical testing. Allele origin: germline.
Comment: In summary, the available evidence is currently insufficient to determine the role of this variant in disease. Therefore, it has been classified as a Variant of Uncertain Significance. Algorithms developed to predict the effect of missense changes on protein structure and function are either unavailable or do not agree on the potential impact of this missense change (SIFT: "Deleterious"; PolyPhen-2: "Benign"; Align-GVGD: "Class C0"). This variant has not been reported in the literature in individuals affected with LAMA5-related conditions. This variant is not present in population databases (gnomAD no frequency). This sequence change replaces cysteine, which is neutral and slightly polar, with arginine, which is basic and polar, at codon 2164 of the LAMA5 protein (p.Cys2164Arg).